The following is an entry in ClinVar:

ClinVar aggregate classification (germline): Conflicting classifications of pathogenicity. Review status: criteria provided, conflicting classifications (1 of 4 stars). 2 submissions from 2 submitters: Uncertain significance (1); Likely benign (1). Last evaluated 2024-06-29.

Conditions:
Epileptic encephalopathy. Identifiers: MedGen C0543888, HP:0200134.

Allele frequency attached by ClinVar (database versions not stated): gnomAD 0.00001; gnomAD exomes 0.00001; TOPMed 0.00001.
gnomAD v4.1: 19 of 1,610,828 alleles (0.0012%); highest among the groups gnomAD compares: East Asian, 0.0067%; no homozygotes.

Submissions (2):

Labcorp Genetics (formerly Invitae), Labcorp
Classification: Uncertain significance for Epileptic encephalopathy. Last evaluated: 2024-06-29. Review status: criteria provided, single submitter. Criteria: Invitae Variant Classification Sherloc (09022015). Collection method: clinical testing. Allele origin: germline.
Comment: This sequence change replaces threonine, which is neutral and polar, with alanine, which is neutral and non-polar, at codon 1399 of the FASN protein (p.Thr1399Ala). This variant is present in population databases (rs764626319, gnomAD 0.02%). This variant has not been reported in the literature in individuals affected with FASN-related conditions. ClinVar contains an entry for this variant (Variation ID: 948280). Algorithms developed to predict the effect of missense changes on protein structure and function output the following: SIFT: "Not Available"; PolyPhen-2: "Benign"; Align-GVGD: "Not Available". The alanine amino acid residue is found in multiple mammalian species, which suggests that this missense change does not adversely affect protein function. In summary, the available evidence is currently insufficient to determine the role of this variant in disease. Therefore, it has been classified as a Variant of Uncertain Significance.

Ambry Genetics
Classification: Likely benign. Last evaluated: 2023-05-17. Review status: criteria provided, single submitter. Criteria: Ambry Variant Classification Scheme 2023. Collection method: clinical testing. Allele origin: germline.

NM_004104.5(FASN):c.4195A>G (p.Thr1399Ala)

Gene: FASN (fatty acid synthase; minus strand). Cytogenetic location: 17q25.3.
Variant type: single nucleotide variant.
Coding change: c.4195A>G on transcript NM_004104.5 (MANE Select); coding-DNA position 4195, A replaced by G.
Protein change: p.Thr1399Ala; replaces threonine 1399 with alanine.
Molecular consequence: missense variant.
Genome position (GRCh38, 1-based): chr17:82,085,330, T>C on the plus strand (A>G on the coding strand, the complement: FASN is on the minus strand). VCF-style: chr17-82085330-T-C. GRCh37 (hg19) VCF-style: chr17-80043206-T-C.
Other names: short protein forms T1399A.
Identifiers: ClinVar variation 948280 (VCV000948280.11), dbSNP rs764626319, ClinGen allele CA8852156.
Genomic context (GRCh38, chr17:82,085,330, plus strand): 5'-CGTCCACCGGCAGGAAGATGGGGCTGTCCTGCGGGGTGGGCCGGCGGCACAGGAAGAGCG[T>C]GGAGCCGTAGAAGGACTTCTTCAGGCCCACCAGGCGCAGCGACACCCTGGAGAAGAGGCT-3'
Protein context (NP_004095.4, residues 1389-1409): VGLKKSFYGS[Thr1399Ala]LFLCRRPTPQ